The following is an entry in ClinVar:

ClinVar aggregate classification (germline): Uncertain significance (1 of 4 stars; one submission).

Submission:

GeneDx
Classification: Uncertain significance. Last evaluated: 2023-11-22. Review status: criteria provided, single submitter. Criteria: GeneDx Variant Classification Process June 2021. Collection method: clinical testing. Allele origin: germline. Affected: yes.
Comment: Not observed at significant frequency in large population cohorts (gnomAD); In silico analysis supports that this missense variant has a deleterious effect on protein structure/function; Has not been previously published as pathogenic or benign to our knowledge

NM_001394998.1(TANC2):c.3736C>G (p.Leu1246Val)

Genes: TANC2 (tetratricopeptide repeat, ankyrin repeat and coiled-coil containing 2; plus strand), LOC105371856 (uncharacterized LOC105371856; minus strand). Cytogenetic location: 17q23.3.
Variant type: single nucleotide variant.
Coding change: c.3736C>G on transcript NM_001394998.1 (MANE Select); coding-DNA position 3736, C replaced by G.
Protein change: p.Leu1246Val; replaces leucine 1246 with valine.
Molecular consequence: missense variant.
Genome position (GRCh38, 1-based): chr17:63,411,657, C>G. VCF-style: chr17-63411657-C-G. GRCh37 (hg19) VCF-style: chr17-61489018-C-G.
Other names: c.3514C>G, p.Leu1172Val (NM_001411076.1, NM_025185.4); short protein forms L1172V, L1246V.
Identifiers: ClinVar variation 3364869 (VCV003364869.1).
Genomic context (GRCh38, chr17:63,411,657, plus strand): 5'-CTGGTGGATAACGGAGCTGCCACAGACCATGCTGACAAGAATGGCCGTACCCCACTGGAT[C>G]TGGCAGCTTTCTATGGCGATGCTGAGGTGGTAAGTACCTTTAAACAAGCCTCAAGAGAGC-3'
Protein context (NP_001381927.1, residues 1236-1256): ADKNGRTPLD[Leu1246Val]AAFYGDAEVV